The following is an entry in ClinVar:

ClinVar aggregate classification (germline): Uncertain significance (1 of 4 stars; one submission).

Allele frequency attached by ClinVar (database versions not stated): gnomAD exomes below 0.00001.
gnomAD v4.1: 1 of 1,613,650 alleles (0.000062%); highest among the groups gnomAD compares: Non-Finnish European, 0.000085%; no homozygotes.

Submission:

Ambry Genetics
Classification: Uncertain significance. Last evaluated: 2023-09-08. Review status: criteria provided, single submitter. Criteria: Ambry Variant Classification Scheme 2023. Collection method: clinical testing. Allele origin: germline.
Comment: The p.P2320S variant (also known as c.6958C>T), located in coding exon 24 of the POLQ gene, results from a C to T substitution at nucleotide position 6958. The proline at codon 2320 is replaced by serine, an amino acid with similar properties. This amino acid position is conserved. In addition, this alteration is predicted to be deleterious by in silico analysis. Since supporting evidence is limited at this time, the clinical significance of this alteration remains unclear.

NM_199420.4(POLQ):c.6958C>T (p.Pro2320Ser)

Gene: POLQ (DNA polymerase theta; minus strand). Cytogenetic location: 3q13.33.
Variant type: single nucleotide variant.
Coding change: c.6958C>T on transcript NM_199420.4 (MANE Select); coding-DNA position 6958, C replaced by T.
Protein change: p.Pro2320Ser; replaces proline 2320 with serine.
Molecular consequence: missense variant.
Genome position (GRCh38, 1-based): chr3:121,467,528, G>A on the plus strand (C>T on the coding strand, the complement: POLQ is on the minus strand). VCF-style: chr3-121467528-G-A. GRCh37 (hg19) VCF-style: chr3-121186375-G-A.
Other names: short protein forms P2320S.
Identifiers: ClinVar variation 2625878 (VCV002625878.2), dbSNP rs2546770046, ClinGen allele CA354109603.
Genomic context (GRCh38, chr3:121,467,528, plus strand): 5'-GAAAAACATTCTCACAGCAATGAGAAGCTTCAAAGCTATCAGCCACCTTACCTGGGAAAG[G>A]CACAAAGGCATGTCGCATGCTAATTGAAAATGGCATTCCTCTGTCTGCAGCTCTCTCCTC-3'
Protein context (NP_955452.3, residues 2310-2330): FSISMRHAFV[Pro2320Ser]FPGGSILAAD